The following is an entry in ClinVar:

ClinVar aggregate classification (germline): Uncertain significance. Review status: criteria provided, multiple submitters, no conflicts (2 of 4 stars). 2 submissions from 2 submitters: Uncertain significance (2). Last evaluated 2024-12-22.

Conditions:
FG syndrome (FGS). Identifiers: MedGen C0220769, MONDO:0002010.
Familial thoracic aortic aneurysm and aortic dissection (TAAD). Also called: Thoracic aortic aneurysms and dissections. Identifiers: Orphanet 91387, MedGen C4707243, MONDO:0019625.

Submissions (2):

Labcorp Genetics (formerly Invitae), Labcorp
Classification: Uncertain significance for FG syndrome. Last evaluated: 2024-12-22. Review status: criteria provided, single submitter. Criteria: Invitae Variant Classification Sherloc (09022015). Collection method: clinical testing. Allele origin: germline.
Comment: This sequence change replaces glutamine, which is neutral and polar, with arginine, which is basic and polar, at codon 1942 of the MED12 protein (p.Gln1942Arg). This variant is not present in population databases (gnomAD no frequency). This variant has not been reported in the literature in individuals affected with MED12-related conditions. ClinVar contains an entry for this variant (Variation ID: 2251491). An algorithm developed to predict the effect of missense changes on protein structure and function (PolyPhen-2) suggests that this variant is likely to be disruptive. In summary, the available evidence is currently insufficient to determine the role of this variant in disease. Therefore, it has been classified as a Variant of Uncertain Significance.

Ambry Genetics
Classification: Uncertain significance for Familial thoracic aortic aneurysm and aortic dissection. Last evaluated: 2021-09-17. Review status: criteria provided, single submitter. Criteria: Ambry Variant Classification Scheme 2023. Collection method: clinical testing. Allele origin: germline.

NM_005120.3(MED12):c.5825A>G (p.Gln1942Arg)

Gene: MED12 (mediator complex subunit 12; plus strand). Cytogenetic location: Xq13.1.
Variant type: single nucleotide variant.
Coding change: c.5825A>G on transcript NM_005120.3 (MANE Select); coding-DNA position 5825, A replaced by G.
Protein change: p.Gln1942Arg; replaces glutamine 1942 with arginine.
Molecular consequence: missense variant.
Genome position (GRCh38, 1-based): chrX:71,137,634, A>G. VCF-style: chrX-71137634-A-G. GRCh37 (hg19) VCF-style: chrX-70357484-A-G.
Other names: short protein forms Q1942R.
Identifiers: ClinVar variation 2251491 (VCV002251491.4), dbSNP rs2519714991, ClinGen allele CA413538010.